The following is an entry in ClinVar:

NM_007215.4(POLG2):c.562+11C>T

Genes: MILR1 (mast cell immunoglobulin like receptor 1; plus strand), POLG2 (DNA polymerase gamma 2, accessory subunit; minus strand). Cytogenetic location: 17q23.3.
Variant type: single nucleotide variant.
Coding change: c.562+11C>T on transcript NM_007215.4 (MANE Select); 11 bases into the intron after coding-DNA position 562, C replaced by T.
Molecular consequence: intron variant.
Genome position (GRCh38, 1-based): chr17:64,496,396, G>A on the plus strand (C>T on the coding strand, the complement: POLG2 is on the minus strand). VCF-style: chr17-64496396-G-A. GRCh37 (hg19) VCF-style: chr17-62492514-G-A.
Identifiers: ClinVar variation 384209 (VCV000384209.13), dbSNP rs782336056, ClinGen allele CA8713001.
Genomic context (GRCh38, chr17:64,496,396, plus strand): 5'-CCAAGATCCAGCAAGACTGCCTCGCCTTTCCACCCGACACCTGTTTTGAAGCATGAAATC[G>A]TGAAGCATACCGTGAAGAAGGTTCTCCCGTAGTTTCCCAGAAGTTTTTAATACGTTCTCA-3'

ClinVar aggregate classification (germline): Conflicting classifications of pathogenicity. Review status: criteria provided, conflicting classifications (1 of 4 stars). 4 submissions from 4 submitters: Uncertain significance (1); Likely benign (3). Last evaluated 2025-11-10.

Conditions:
Progressive external ophthalmoplegia with mitochondrial DNA deletions, autosomal dominant 4. Also called: PROGRESSIVE EXTERNAL OPHTHALMOPLEGIA, AUTOSOMAL DOMINANT 4. Identifiers: MedGen C1864668, MONDO:0012415, OMIM 610131.

Allele frequency attached by ClinVar (database versions not stated): ExAC 0.00005; gnomAD exomes 0.00008; gnomAD 0.00011 and 0.00013; TOPMed 0.00020.
gnomAD v4.1: 99 of 1,541,852 alleles (0.0064%); highest among the groups gnomAD compares: Middle Eastern, 0.052%; no homozygotes.

Submissions (4):

Labcorp Genetics (formerly Invitae), Labcorp
Classification: Likely benign. Last evaluated: 2025-11-10. Review status: criteria provided, single submitter. Criteria: Invitae Variant Classification Sherloc (09022015). Collection method: clinical testing. Allele origin: germline.

Blueprint Genetics
Classification: Likely benign. Last evaluated: 2024-10-16. Review status: criteria provided, single submitter. Criteria: ACMG Guidelines, 2015. Collection method: clinical testing. Allele origin: germline.

Illumina Laboratory Services, Illumina
Classification: Uncertain significance for Progressive external ophthalmoplegia with mitochondrial DNA deletions, autosomal dominant 4. Last evaluated: 2018-01-12. Review status: criteria provided, single submitter. Criteria: ICSL Variant Classification Criteria 13 December 2019. Collection method: clinical testing. Allele origin: germline.

GeneDx
Classification: Likely benign. Last evaluated: 2016-03-21. Review status: criteria provided, single submitter. Criteria: GeneDx Variant Classification (06012015). Collection method: clinical testing. Allele origin: germline. Affected: yes.
Comment: This variant is considered likely benign or benign based on one or more of the following criteria: it is a conservative change, it occurs at a poorly conserved position in the protein, it is predicted to be benign by multiple in silico algorithms, and/or has population frequency not consistent with disease.